The following is an entry in ClinVar:

NM_000295.5(SERPINA1):c.745G>C (p.Gly249Arg)

Gene: SERPINA1 (serpin family A member 1; minus strand). Cytogenetic location: 14q32.13.
Variant type: single nucleotide variant.
Coding change: c.745G>C on transcript NM_000295.5 (MANE Select); coding-DNA position 745, G replaced by C.
Protein change: p.Gly249Arg; replaces glycine 249 with arginine.
Molecular consequence: missense variant.
Genome position (GRCh38, 1-based): chr14:94,381,043, C>G on the plus strand (G>C on the coding strand, the complement: SERPINA1 is on the minus strand). VCF-style: chr14-94381043-C-G. GRCh37 (hg19) VCF-style: chr14-94847380-C-G.
Other names: c.745G>C, p.Gly249Arg (NM_001002235.3, NM_001002236.3, NM_001127700.2 and 7 more transcripts); short protein forms G249R.
Identifiers: ClinVar variation 189018 (VCV000189018.7), dbSNP rs764220898, ClinGen allele CA274265.

ClinVar aggregate classification (germline): Conflicting classifications of pathogenicity. Review status: criteria provided, conflicting classifications (1 of 4 stars). 4 submissions from 4 submitters: Likely pathogenic (1); Uncertain significance (1). 2 of the submissions do not count toward it. Last evaluated 2026-04-25.

Conditions:
Alpha-1-antitrypsin deficiency (A1ATD). Also called: AAT deficiency; A1AT deficiency; Alpha1-Antitrypsin Deficiency. Identifiers: Orphanet 60, MedGen C0221757, MONDO:0013282, OMIM 613490.

Allele frequency attached by ClinVar (database versions not stated): gnomAD 0.00001; ExAC 0.00002; TOPMed 0.00002.
gnomAD v4.1: 7 of 1,613,948 alleles (0.00043%); highest among the groups gnomAD compares: Non-Finnish European, 0.00059%; no homozygotes.

Submissions (4):

Dasa
Classification: Uncertain significance. Last evaluated: 2026-04-25. Review status: criteria provided, single submitter. Criteria: DASA Assertion Criteria. Collection method: clinical testing. Allele origin: germline.
Comment: NM_000295.5(SERPINA1):c.745G>C (p.Gly249Arg) is a missense variant that results in the substitution of glycine with arginine. This variant has been reported in individuals with SERPINA1-related disorders (PMID: 19437508). Functional evidence supports an impact on the gene or gene product (PMID: 19437508). Also, this variant is rare in population databases. Computational prediction algorithms are consistent with a deleterious effect. The currently available literature and clinical evidence are not sufficient to establish a definitive association between this variant and the reported condition. Therefore, this variant is classified as a variant of uncertain significance.

Baylor Genetics
Classification: Likely pathogenic for Alpha-1-antitrypsin deficiency. Last evaluated: 2024-03-15. Review status: criteria provided, single submitter. Criteria: ACMG Guidelines, 2015. Collection method: clinical testing. Allele origin: unknown.

Department of Laboratory Medicine and Genetics, Trillium Health Partners Credit Valley Hospital
Classification: Uncertain significance for Alpha-1-antitrypsin deficiency. Last evaluated: 2014-12-08. Review status: no assertion criteria provided. Collection method: curation. Allele origin: germline. Affected: yes. Not counted in ClinVar's aggregate classification.

Counsyl
Classification: Likely pathogenic for Alpha-1-antitrypsin deficiency. Last evaluated: 2014-10-15. Review status: no assertion criteria provided. Collection method: literature only. Allele origin: unknown. Inheritance: Autosomal recessive inheritance. Not counted in ClinVar's aggregate classification.

Literature cited by the submitters: PubMed 19437508 (cited by Dasa and Counsyl); PubMed 21474916 (cited by Counsyl).